The following is an entry in ClinVar:

NM_199420.4(POLQ):c.1831C>T (p.Pro611Ser)

Gene: POLQ (DNA polymerase theta; minus strand). Cytogenetic location: 3q13.33.
Variant type: single nucleotide variant.
Coding change: c.1831C>T on transcript NM_199420.4 (MANE Select); coding-DNA position 1831, C replaced by T.
Protein change: p.Pro611Ser; replaces proline 611 with serine.
Molecular consequence: missense variant.
Genome position (GRCh38, 1-based): chr3:121,509,689, G>A on the plus strand (C>T on the coding strand, the complement: POLQ is on the minus strand). VCF-style: chr3-121509689-G-A. GRCh37 (hg19) VCF-style: chr3-121228536-G-A.
Other names: short protein forms P611S.
Identifiers: ClinVar variation 3308548 (VCV003308548.1).
Genomic context (GRCh38, chr3:121,509,689, plus strand): 5'-TATCTAAAGTATCAGCTGGAGAAAGTGAAGAAGAAAGAGTGGCCGAACCAAGATGTGTTG[G>A]ATGATACACCTTTCCTGGTTTAGGGTTAGGGTGAGGAAACAGAGGAACAAACATTCAAAA-3'
Protein context (NP_955452.3, residues 601-621): SDGTEGKVYH[Pro611Ser]THLGSATLSS

ClinVar aggregate classification (germline): Uncertain significance (1 of 4 stars; one submission).

Submission:

Ambry Genetics
Classification: Uncertain significance. Last evaluated: 2024-06-13. Review status: criteria provided, single submitter. Criteria: Ambry Variant Classification Scheme 2023. Collection method: clinical testing. Allele origin: germline.
Comment: The p.P611S variant (also known as c.1831C>T), located in coding exon 12 of the POLQ gene, results from a C to T substitution at nucleotide position 1831. The proline at codon 611 is replaced by serine, an amino acid with similar properties. This amino acid position is conserved. In addition, this alteration is predicted to be tolerated by in silico analysis. Based on the available evidence, the clinical significance of this variant remains unclear.